The following is an entry in ClinVar:

ClinVar aggregate classification (germline): Uncertain significance (1 of 4 stars; one submission).

Allele frequency attached by ClinVar (database versions not stated): TOPMed below 0.00001; gnomAD 0.00001.

Submission:

Labcorp Genetics (formerly Invitae), Labcorp
Classification: Uncertain significance. Last evaluated: 2022-08-19. Review status: criteria provided, single submitter. Criteria: Invitae Variant Classification Sherloc (09022015). Collection method: clinical testing. Allele origin: germline.
Comment: Experimental studies and prediction algorithms are not available or were not evaluated, and the functional significance of this variant is currently unknown. In summary, the available evidence is currently insufficient to determine the role of this variant in disease. Therefore, it has been classified as a Variant of Uncertain Significance. This variant has not been reported in the literature in individuals affected with SLC46A1-related conditions. This variant is not present in population databases (gnomAD no frequency). This sequence change replaces glycine, which is neutral and non-polar, with aspartic acid, which is acidic and polar, at codon 207 of the SLC46A1 protein (p.Gly207Asp).

NM_080669.6(SLC46A1):c.620G>A (p.Gly207Asp)

Gene: SLC46A1 (solute carrier family 46 member 1; minus strand). Cytogenetic location: 17q11.2.
Variant type: single nucleotide variant.
Coding change: c.620G>A on transcript NM_080669.6 (MANE Select); coding-DNA position 620, G replaced by A.
Protein change: p.Gly207Asp; replaces glycine 207 with aspartic acid.
Molecular consequence: missense variant.
Genome position (GRCh38, 1-based): chr17:28,405,077, C>T on the plus strand (G>A on the coding strand, the complement: SLC46A1 is on the minus strand). VCF-style: chr17-28405077-C-T. GRCh37 (hg19) VCF-style: chr17-26732095-C-T.
Other names: c.620G>A, p.Gly207Asp (NM_001242366.3); short protein forms G207D.
Identifiers: ClinVar variation 1923646 (VCV001923646.5), dbSNP rs2068241025, ClinGen allele CA398350146.